The following is an entry in ClinVar:

NM_000553.6(WRN):c.1981+1G>A

Gene: WRN (WRN RecQ like helicase; plus strand). Cytogenetic location: 8p12.
Variant type: single nucleotide variant.
Coding change: c.1981+1G>A on transcript NM_000553.6 (MANE Select); the canonical splice donor site of the intron after coding-DNA position 1981, G replaced by A.
Molecular consequence: splice donor variant.
Genome position (GRCh38, 1-based): chr8:31,096,851, G>A. VCF-style: chr8-31096851-G-A. GRCh37 (hg19) VCF-style: chr8-30954367-G-A.
Identifiers: ClinVar variation 1908537 (VCV001908537.5), dbSNP rs1814007969, ClinGen allele CA370929950.

ClinVar aggregate classification (germline): Likely pathogenic (1 of 4 stars; one submission).

Conditions:
Werner syndrome (WRN). Identifiers: Orphanet 902, MedGen C0043119, MONDO:0010196, OMIM 277700.

Submission:

Labcorp Genetics (formerly Invitae), Labcorp
Classification: Likely pathogenic for Werner syndrome. Last evaluated: 2022-04-13. Review status: criteria provided, single submitter. Criteria: Invitae Variant Classification Sherloc (09022015). Collection method: clinical testing. Allele origin: germline.
Comment: In summary, the currently available evidence indicates that the variant is pathogenic, but additional data are needed to prove that conclusively. Therefore, this variant has been classified as Likely Pathogenic. Algorithms developed to predict the effect of sequence changes on RNA splicing suggest that this variant may disrupt the consensus splice site. This variant has not been reported in the literature in individuals affected with WRN-related conditions. This variant is not present in population databases (gnomAD no frequency). This sequence change affects a donor splice site in intron 17 of the WRN gene. It is expected to disrupt RNA splicing. Variants that disrupt the donor or acceptor splice site typically lead to a loss of protein function (PMID: 16199547), and loss-of-function variants in WRN are known to be pathogenic (PMID: 16673358).

Literature cited by the submitters: PubMed 16199547; PubMed 16673358.